The following is an entry in ClinVar:

NM_001365276.2(TNXB):c.10246A>G (p.Ser3416Gly)

Gene: TNXB (tenascin XB; minus strand). Cytogenetic location: 6p21.33.
Variant type: single nucleotide variant.
Coding change: c.10246A>G on transcript NM_001365276.2 (MANE Select); coding-DNA position 10246, A replaced by G.
Protein change: p.Ser3416Gly; replaces serine 3416 with glycine.
Molecular consequence: missense variant.
Genome position (GRCh38, 1-based): chr6:32,047,812, T>C on the plus strand (A>G on the coding strand, the complement: TNXB is on the minus strand). VCF-style: chr6-32047812-T-C. GRCh37 (hg19) VCF-style: chr6-32015589-T-C.
Other names: c.10240A>G, p.Ser3414Gly (NM_019105.8); short protein forms S3414G, S3416G.
Identifiers: ClinVar variation 1767904 (VCV001767904.3), dbSNP rs917554856, ClinGen allele CA136899055.

ClinVar aggregate classification (germline): Uncertain significance (1 of 4 stars; one submission).

Conditions:
Cardiovascular phenotype. Identifiers: MedGen CN230736.

Allele frequency attached by ClinVar (database versions not stated): gnomAD exomes below 0.00001; gnomAD 0.00001; TOPMed 0.00002.
gnomAD v4.1: 2 of 1,610,878 alleles (0.00012%); highest among the groups gnomAD compares: African/African-American, 0.0027%; no homozygotes.

Submission:

Ambry Genetics
Classification: Uncertain significance for Cardiovascular phenotype. Last evaluated: 2025-11-04. Review status: criteria provided, single submitter. Criteria: Ambry Variant Classification Scheme 2023. Collection method: clinical testing. Allele origin: germline.
Comment: The p.S3414G variant (also known as c.10240A>G), located in coding exon 29 of the TNXB gene, results from an A to G substitution at nucleotide position 10240. The serine at codon 3414 is replaced by glycine, an amino acid with similar properties. This amino acid position is conserved. In addition, this alteration is predicted to be tolerated by in silico analysis. Since supporting evidence is limited at this time, the clinical significance of this alteration remains unclear.